The following is an entry in ClinVar:

ClinVar aggregate classification (germline): Uncertain significance. Review status: criteria provided, multiple submitters, no conflicts (2 of 4 stars). 4 submissions from 4 submitters: Uncertain significance (4). Last evaluated 2026-02-14.

Conditions:
Catecholaminergic polymorphic ventricular tachycardia (CVPT). Also called: Catecholamine-induced polymorphic ventricular tachycardia. Identifiers: Orphanet 3286, MedGen C5574922, MONDO:0017990.
Cardiovascular phenotype. Identifiers: MedGen CN230736.
Cardiomyopathy (CMYO). Also called: Cardiomyopathies. Identifiers: Orphanet 167848, MedGen C0878544, MONDO:0004994, HP:0001638. Inheritance: Various modes of inheritance.

Allele frequency attached by ClinVar (database versions not stated): TOPMed below 0.00001.
gnomAD v4.1: 4 of 1,613,602 alleles (0.00025%); highest among the groups gnomAD compares: Non-Finnish European, 0.00025%; no homozygotes.

Submissions (4):

Ambry Genetics
Classification: Uncertain significance for Cardiovascular phenotype. Last evaluated: 2026-02-14. Review status: criteria provided, single submitter. Criteria: Ambry Variant Classification Scheme 2023. Collection method: clinical testing. Allele origin: germline.
Comment: The p.R4573C variant (also known as c.13717C>T), located in coding exon 94 of the RYR2 gene, results from a C to T substitution at nucleotide position 13717. The arginine at codon 4573 is replaced by cysteine, an amino acid with highly dissimilar properties. This amino acid position is conserved. In addition, this alteration is predicted to be deleterious by in silico analysis. Based on the available evidence, the clinical significance of this variant remains unclear.

Mayo Clinic Laboratories, Mayo Clinic
Classification: Uncertain significance. Last evaluated: 2025-06-27. Review status: criteria provided, single submitter. Criteria: ACMG Guidelines, 2015. Collection method: clinical testing. Allele origin: germline. Observed: 1 variant allele.
Comment: PM2_supporting

All of Us Research Program, National Institutes of Health
Classification: Uncertain significance for Catecholaminergic polymorphic ventricular tachycardia. Last evaluated: 2023-10-06. Review status: criteria provided, single submitter. Criteria: ACMG Guidelines, 2015. Collection method: clinical testing. Allele origin: germline. Inheritance: Autosomal dominant inheritance. Observed: 1 variant allele, 1 heterozygote.
Comment: This missense variant replaces arginine with cysteine at codon 4573 of the RYR2 protein. Computational prediction is inconclusive regarding the impact of this variant on protein structure and function (internally defined REVEL score threshold 0.5 < inconclusive < 0.7, PMID: 27666373). To our knowledge, functional studies have not been reported for this variant. This variant has not been reported in individuals affected with RYR2-related disorders in the literature. This variant has not been identified in the general population by the Genome Aggregation Database (gnomAD). The available evidence is insufficient to determine the role of this variant in disease conclusively. Therefore, this variant is classified as a Variant of Uncertain Significance.

This study involves interpretation of variants in research participants for the purpose of population health screening. Participant phenotype was not available at the time of variant classification. Additional details can be found in publication PMID: 35346344, PMCID: PMC8962531

CHEO Genetics Diagnostic Laboratory, Children's Hospital of Eastern Ontario
Classification: Uncertain significance for Cardiomyopathy. Last evaluated: 2019-07-19. Review status: criteria provided, single submitter. Criteria: ACMG Guidelines, 2015. Collection method: clinical testing. Allele origin: germline.

NM_001035.3(RYR2):c.13717C>T (p.Arg4573Cys)

Gene: RYR2 (ryanodine receptor 2; plus strand). Cytogenetic location: 1q43.
Variant type: single nucleotide variant.
Coding change: c.13717C>T on transcript NM_001035.3 (MANE Select); coding-DNA position 13717, C replaced by T.
Protein change: p.Arg4573Cys; replaces arginine 4573 with cysteine.
Molecular consequence: missense variant.
Genome position (GRCh38, 1-based): chr1:237,792,258, C>T. VCF-style: chr1-237792258-C-T. GRCh37 (hg19) VCF-style: chr1-237955558-C-T.
Other names: p.Arg4573Cys; short protein forms R4573C.
Identifiers: ClinVar variation 1329437 (VCV001329437.5), dbSNP rs764900002, ClinGen allele CA345417590.